The following is an entry in ClinVar:

NM_022114.4(PRDM16):c.1583del (p.Leu528fs)

Gene: PRDM16 (PR/SET domain 16; plus strand). Cytogenetic location: 1p36.32.
Variant type: Deletion.
Coding change: c.1583del on transcript NM_022114.4 (MANE Select); coding-DNA position 1583, one base deleted (T; older notation c.1583delT).
Protein change: p.Leu528fs; shifts the reading frame from leucine 528.
Molecular consequence: frameshift variant.
Genome position (GRCh38, 1-based): chr1:3,411,780, T deleted. VCF-style (leftmost placement, unchanged base first): chr1-3411779-CT-C. GRCh37 (hg19) VCF-style: chr1-3328343-CT-C.
Other names: c.1583del, p.Leu528fs (NM_199454.3); short protein forms L528fs.
Identifiers: ClinVar variation 4712943 (VCV004712943.1).
Genomic context (GRCh38, chr1:3,411,779, plus strand): 5'-CCCGCACTCACCCCCGGCTTCCCGGGCATCTTCCCTCCATCCTTGTACCCCCGGCCGCCT[CT>C]GCTACCTCCCACATCGCTGCTCAAGAGCCCCCTGAACCACACCCAGGACGCCAAGCTCCC-3'

ClinVar aggregate classification (germline): Uncertain significance (1 of 4 stars; one submission).

Conditions:
Left ventricular noncompaction 8 (LVNC8). Identifiers: Orphanet 154, Orphanet 54260, MedGen C3809288, MONDO:0014152, OMIM 615373.

Submission:

Labcorp Genetics (formerly Invitae), Labcorp
Classification: Uncertain significance for Left ventricular noncompaction 8. Last evaluated: 2025-02-13. Review status: criteria provided, single submitter. Criteria: Invitae Variant Classification Sherloc (09022015). Collection method: clinical testing. Allele origin: germline.
Comment: This sequence change creates a premature translational stop signal (p.Leu528Argfs*12) in the PRDM16 gene. It is expected to result in an absent or disrupted protein product. However, the current clinical and genetic evidence is not sufficient to establish whether loss-of-function variants in PRDM16 cause disease. This variant is not present in population databases (gnomAD no frequency). This variant has not been reported in the literature in individuals affected with PRDM16-related conditions. In summary, the available evidence is currently insufficient to determine the role of this variant in disease. Therefore, it has been classified as a Variant of Uncertain Significance.